The following is an entry in ClinVar:

NM_005051.3(QARS1):c.1279C>T (p.Arg427Cys)

Gene: QARS1 (glutaminyl-tRNA synthetase 1; minus strand). Cytogenetic location: 3p21.31.
Variant type: single nucleotide variant.
Coding change: c.1279C>T on transcript NM_005051.3 (MANE Select); coding-DNA position 1279, C replaced by T.
Protein change: p.Arg427Cys; replaces arginine 427 with cysteine.
Molecular consequence: missense variant. On other transcripts: non-coding transcript variant (1).
Genome position (GRCh38, 1-based): chr3:49,099,977, G>A on the plus strand (C>T on the coding strand, the complement: QARS1 is on the minus strand). VCF-style: chr3-49099977-G-A. GRCh37 (hg19) VCF-style: chr3-49137410-G-A.
Other names: c.1246C>T, p.Arg416Cys (NM_001272073.2); c.1279C>T (NM_005051.2); short protein forms R416C, R427C.
Identifiers: ClinVar variation 1035175 (VCV001035175.3), dbSNP rs746114521, ClinGen allele CA2391828.

ClinVar aggregate classification (germline): Uncertain significance. Review status: criteria provided, multiple submitters, no conflicts (2 of 4 stars). 2 submissions from 2 submitters: Uncertain significance (2). Last evaluated 2024-07-31.

Conditions:
Diffuse cerebral and cerebellar atrophy - intractable seizures - progressive microcephaly syndrome. Also called: Microcephaly, progressive, with seizures and cerebral and cerebellar atrophy. Identifiers: Orphanet 404437, MedGen C4014239, MONDO:0014335, OMIM 615760.

Allele frequency attached by ClinVar (database versions not stated): ExAC 0.00001; gnomAD exomes 0.00002; gnomAD 0.00004; TOPMed 0.00004.
gnomAD v4.1: 29 of 1,614,052 alleles (0.0018%); highest among the groups gnomAD compares: African/African-American, 0.004%; no homozygotes.

Submissions (2):

GeneDx
Classification: Uncertain significance. Last evaluated: 2024-07-31. Review status: criteria provided, single submitter. Criteria: GeneDx Variant Classification Process June 2021. Collection method: clinical testing. Allele origin: germline. Affected: yes.
Comment: Not observed at significant frequency in large population cohorts (gnomAD); In silico analysis supports that this missense variant has a deleterious effect on protein structure/function; Has not been previously published as pathogenic or benign to our knowledge; This variant is associated with the following publications: (PMID: 25471517)

Labcorp Genetics (formerly Invitae), Labcorp
Classification: Uncertain significance for Diffuse cerebral and cerebellar atrophy - intractable seizures - progressive microcephaly syndrome. Last evaluated: 2022-02-05. Review status: criteria provided, single submitter. Criteria: Invitae Variant Classification Sherloc (09022015). Collection method: clinical testing. Allele origin: germline.
Comment: This sequence change replaces arginine, which is basic and polar, with cysteine, which is neutral and slightly polar, at codon 427 of the QARS protein (p.Arg427Cys). This variant is present in population databases (rs746114521, gnomAD 0.01%). This variant has not been reported in the literature in individuals affected with QARS-related conditions. ClinVar contains an entry for this variant (Variation ID: 1035175). Algorithms developed to predict the effect of missense changes on protein structure and function are either unavailable or do not agree on the potential impact of this missense change (SIFT: "Deleterious"; PolyPhen-2: "Benign"; Align-GVGD: "Class C0"). In summary, the available evidence is currently insufficient to determine the role of this variant in disease. Therefore, it has been classified as a Variant of Uncertain Significance.